The following is an entry in ClinVar:

ClinVar aggregate classification (germline): Uncertain significance (1 of 4 stars; one submission).

Conditions:
Hereditary pancreatitis (PCTT). Also called: Hereditary chronic pancreatitis; PRSS1-Related Hereditary Pancreatitis. Identifiers: Orphanet 676, MedGen C0238339, MONDO:0008185, OMIM 167800.

Submission:

Ambry Genetics
Classification: Uncertain significance for Hereditary pancreatitis. Last evaluated: 2024-01-12. Review status: criteria provided, single submitter. Criteria: Ambry Variant Classification Scheme 2023. Collection method: clinical testing. Allele origin: germline.
Comment: The p.I93T variant (also known as c.278T>C), located in coding exon 3 of the PRSS1 gene, results from a T to C substitution at nucleotide position 278. The isoleucine at codon 93 is replaced by threonine, an amino acid with similar properties. This amino acid position is conserved. In addition, the in silico prediction for this alteration is inconclusive. Since supporting evidence is limited at this time, the clinical significance of this alteration remains unclear.

NM_002769.5(PRSS1):c.278T>C (p.Ile93Thr)

Genes: TRB (T cell receptor beta locus; plus strand), PRSS1 (serine protease 1; plus strand). Cytogenetic location: 7q34.
Variant type: single nucleotide variant.
Coding change: c.278T>C on transcript NM_002769.5 (MANE Select); coding-DNA position 278, T replaced by C.
Protein change: p.Ile93Thr; replaces isoleucine 93 with threonine.
Molecular consequence: missense variant. On other transcripts: non-coding transcript variant (4).
Genome position (GRCh38, 1-based): chr7:142,751,851, T>C. VCF-style: chr7-142751851-T-C. GRCh37 (hg19) VCF-style: chr7-142459702-T-C.
Other names: short protein forms I93T.
Identifiers: ClinVar variation 3222793 (VCV003222793.1), dbSNP rs2116977248, ClinGen allele CA369608632.